The following is an entry in ClinVar:

ClinVar aggregate classification (germline): Likely pathogenic. Review status: criteria provided, single submitter (1 of 4 stars). 3 submissions from 3 submitters: Likely pathogenic (1). 2 of the submissions do not count toward it. Last evaluated 2022-02-17.

Conditions:
PRKCG-related disorder. Also called: PRKCG-related condition.
Spinocerebellar ataxia type 14 (SCA14). Identifiers: Orphanet 98763, MedGen C1854369, MONDO:0011540, OMIM 605361.

Allele frequency attached by ClinVar (database versions not stated): gnomAD exomes below 0.00001.
gnomAD v4.1: 2 of 1,614,068 alleles (0.00012%); highest among the groups gnomAD compares: Non-Finnish European, 0.00017%; no homozygotes.

Submissions (3):

Blueprint Genetics
Classification: Likely pathogenic for PRKCG-related disorders. Last evaluated: 2022-02-17. Review status: criteria provided, single submitter. Criteria: ACMG Guidelines, 2015. Collection method: clinical testing. Allele origin: germline. Affected: yes. Observed: 2 variant alleles.

Solve-RD Consortium
Classification: Likely pathogenic for Spinocerebellar ataxia type 14. Last evaluated: 2022-06-01. Review status: no assertion criteria provided. Collection method: provider interpretation. Allele origin: inherited. Affected: yes. Not counted in ClinVar's aggregate classification.
Comment: Variant confirmed as disease-causing by referring clinical team

Variant identified during reanalysis of unsolved cases by the Solve-RD project. The Solve-RD project has received funding from the European Union’s Horizon 2020 research and innovation programme under grant agreement No 779257.

Genomics England Pilot Project, Genomics England
Classification: Likely pathogenic for Spinocerebellar ataxia type 14. Review status: no assertion criteria provided. Criteria: ACGS Guidelines, 2016. Collection method: clinical testing. Allele origin: germline. Affected: yes. Not counted in ClinVar's aggregate classification.

Literature cited by the submitters: PubMed 39825153 (cited by Solve-RD Consortium).

NM_002739.5(PRKCG):c.323A>G (p.Tyr108Cys)

Gene: PRKCG (protein kinase C gamma; plus strand). Cytogenetic location: 19q13.42.
Variant type: single nucleotide variant.
Coding change: c.323A>G on transcript NM_002739.5 (MANE Select); coding-DNA position 323, A replaced by G.
Protein change: p.Tyr108Cys; replaces tyrosine 108 with cysteine.
Molecular consequence: missense variant.
Genome position (GRCh38, 1-based): chr19:53,889,675, A>G. VCF-style: chr19-53889675-A-G. GRCh37 (hg19) VCF-style: chr19-54392929-A-G.
Other names: c.323A>G, p.Tyr108Cys (NM_001316329.2); short protein forms Y108C.
Identifiers: ClinVar variation 1184519 (VCV001184519.4), dbSNP rs2122988484, ClinGen allele CA407414159.